The following is an entry in ClinVar:

ClinVar aggregate classification (germline): Uncertain significance. Review status: criteria provided, multiple submitters, no conflicts (2 of 4 stars). 2 submissions from 2 submitters: Uncertain significance (2). Last evaluated 2025-01-20.

Conditions:
Amelocerebrohypohidrotic syndrome (KTZS). Also called: Kohlschutter's syndrome; KOHLSCHUTTER SYNDROME; EPILEPSY AND YELLOW TEETH; EPILEPSY, DEMENTIA, AND AMELOGENESIS IMPERFECTA. Identifiers: Orphanet 1946, MedGen C0406740, MONDO:0009185, OMIM 226750.
Inborn genetic diseases. Identifiers: MedGen C0950123, MeSH D030342.

gnomAD v4.1: 17 of 1,608,046 alleles (0.0011%); highest among the groups gnomAD compares: African/African-American, 0.0053%; no homozygotes.

Submissions (2):

Ambry Genetics
Classification: Uncertain significance for Inborn genetic diseases. Last evaluated: 2025-01-20. Review status: criteria provided, single submitter. Criteria: Ambry Variant Classification Scheme 2023. Collection method: clinical testing. Allele origin: germline.

Labcorp Genetics (formerly Invitae), Labcorp
Classification: Uncertain significance for Amelocerebrohypohidrotic syndrome. Last evaluated: 2021-11-18. Review status: criteria provided, single submitter. Criteria: Invitae Variant Classification Sherloc (09022015). Collection method: clinical testing. Allele origin: germline.
Comment: This sequence change replaces arginine, which is basic and polar, with histidine, which is basic and polar, at codon 218 of the ROGDI protein (p.Arg218His). This variant is present in population databases (rs747891068, gnomAD 0.008%). This variant has not been reported in the literature in individuals affected with ROGDI-related conditions. Algorithms developed to predict the effect of missense changes on protein structure and function are either unavailable or do not agree on the potential impact of this missense change (SIFT: "Tolerated"; PolyPhen-2: "Possibly Damaging"; Align-GVGD: "Class C0"). In summary, the available evidence is currently insufficient to determine the role of this variant in disease. Therefore, it has been classified as a Variant of Uncertain Significance.

NM_024589.3(ROGDI):c.653G>A (p.Arg218His)

Gene: ROGDI (rogdi atypical leucine zipper; minus strand). Cytogenetic location: 16p13.3.
Variant type: single nucleotide variant.
Coding change: c.653G>A on transcript NM_024589.3 (MANE Select); coding-DNA position 653, G replaced by A.
Protein change: p.Arg218His; replaces arginine 218 with histidine.
Molecular consequence: missense variant. On other transcripts: non-coding transcript variant (1).
Genome position (GRCh38, 1-based): chr16:4,797,980, C>T on the plus strand (G>A on the coding strand, the complement: ROGDI is on the minus strand). VCF-style: chr16-4797980-C-T. GRCh37 (hg19) VCF-style: chr16-4847981-C-T.
Other names: c.653G>A (NM_024589.1); short protein forms R218H.
Identifiers: ClinVar variation 1477140 (VCV001477140.4), dbSNP rs747891068, ClinGen allele CA7882568.